The following is an entry in ClinVar:

NM_003265.3(TLR3):c.2664C>T (p.Ala888=)

Gene: TLR3 (toll like receptor 3; plus strand). Cytogenetic location: 4q35.1.
Variant type: single nucleotide variant.
Coding change: c.2664C>T on transcript NM_003265.3 (MANE Select); coding-DNA position 2664, C replaced by T.
Protein change: p.Ala888=; no amino-acid change (alanine 888 retained).
Molecular consequence: synonymous variant.
Genome position (GRCh38, 1-based): chr4:186,084,822, C>T. VCF-style: chr4-186084822-C-T. GRCh37 (hg19) VCF-style: chr4-187005976-C-T.
Identifiers: ClinVar variation 713149 (VCV000713149.15), dbSNP rs5743320, ClinGen allele CA3161624.

ClinVar aggregate classification (germline): Benign/Likely benign. Review status: criteria provided, multiple submitters, no conflicts (2 of 4 stars). 4 submissions from 4 submitters: Benign (2); Likely benign (1). 1 of the submissions does not count toward it. Last evaluated 2026-01-26.

Conditions:
Encephalopathy, acute, infection-induced (herpes-specific), susceptibility to, 1. Also called: Herpes simplex encephalitis, susceptibility to, 1. Identifiers: Orphanet 1930, MedGen C2750180, MONDO:0024563, OMIM 610551.
TLR3-related disorder. Also called: TLR3-related condition.

Allele frequency attached by ClinVar (database versions not stated): gnomAD 0.00148 and 0.00143; gnomAD exomes 0.00016; ESP Exome Variant Server 0.00131; 1000 Genomes Project 30x 0.00234; TOPMed 0.00177; 1000 Genomes Project 0.00240.

Submissions (4):

Labcorp Genetics (formerly Invitae), Labcorp
Classification: Benign for Encephalopathy, acute, infection-induced (herpes-specific), susceptibility to, 1. Last evaluated: 2026-01-26. Review status: criteria provided, single submitter. Criteria: Invitae Variant Classification Sherloc (09022015). Collection method: clinical testing. Allele origin: germline.

Blueprint Genetics
Classification: Likely benign. Last evaluated: 2024-11-26. Review status: criteria provided, single submitter. Criteria: ACMG Guidelines, 2015. Collection method: clinical testing. Allele origin: germline.

Breakthrough Genomics
Classification: Benign. Review status: criteria provided, single submitter. Criteria: ACMG Guidelines, 2015. Collection method: not provided. Allele origin: germline. Inheritance: Autosomal dominant inheritance. Affected: yes.

PreventionGenetics, part of Exact Sciences
Classification: Likely benign for TLR3-related condition. Last evaluated: 2023-12-11. Review status: no assertion criteria provided. Collection method: clinical testing. Allele origin: germline. Not counted in ClinVar's aggregate classification.
Comment: This variant is classified as likely benign based on ACMG/AMP sequence variant interpretation guidelines (Richards et al. 2015 PMID: 25741868, with internal and published modifications).